The following is an entry in ClinVar:

ClinVar aggregate classification (germline): Uncertain significance (1 of 4 stars; one submission).

Submission:

GeneDx
Classification: Uncertain significance. Last evaluated: 2024-08-16. Review status: criteria provided, single submitter. Criteria: GeneDx Variant Classification Process June 2021. Collection method: clinical testing. Allele origin: germline. Affected: yes.
Comment: Not observed at significant frequency in large population cohorts (gnomAD); In-frame deletion of 6 amino acids in a non-repeat region; In silico analysis supports a deleterious effect on protein structure/function; Has not been previously published as pathogenic or benign to our knowledge

NM_004606.5(TAF1):c.5493_5510del (p.Asp1832_Glu1837del)

Gene: TAF1 (TATA-box binding protein associated factor 1; plus strand). Cytogenetic location: Xq13.1.
Variant type: Deletion.
Coding change: c.5493_5510del on transcript NM_004606.5 (MANE Select); coding-DNA positions 5493 to 5510, 18 bases deleted (AGATGAGGAGGAGGAAGA).
Protein change: p.Asp1832_Glu1837del.
Genome position (GRCh38, 1-based): chrX:71,463,917-71,463,934, AGATGAGGAGGAGGAAGA deleted; deleting any 18 consecutive bases within chrX:71,463,906-71,463,934 gives the same sequence; the c. name uses the placement nearest the transcript's 3' end. VCF-style (leftmost placement, unchanged base first): chrX-71463905-AGAGGAGGAAGAAGATGAG-A. GRCh37 (hg19) VCF-style: chrX-70683755-AGAGGAGGAAGAAGATGAG-A.
Other names: c.5499_5516del, p.Asp1834_Glu1839del (NM_001286074.2); c.5430_5447del, p.Asp1811_Glu1816del (NM_138923.4).
Identifiers: ClinVar variation 3731163 (VCV003731163.1).